The following is an entry in ClinVar:

ClinVar aggregate classification (germline): Benign/Likely benign. Review status: criteria provided, multiple submitters, no conflicts (2 of 4 stars). 8 submissions from 8 submitters: Benign (1); Likely benign (7). Last evaluated 2026-06-08.

Conditions:
Pheochromocytoma. Also called: MAX-Related Hereditary Paraganglioma-Pheochromocytoma Syndrome. Identifiers: Orphanet 29072, MedGen C0031511, MONDO:0008233, OMIM 171300, HP:0002666.
Hereditary cancer-predisposing syndrome. Also called: Neoplastic Syndromes, Hereditary; Hereditary neoplastic syndrome; Tumor predisposition; Hereditary Cancer Syndrome. Identifiers: Orphanet 140162, MedGen C0027672, MeSH D009386, MONDO:0015356.
Hereditary pheochromocytoma and paraganglioma. Also called: Hereditary Paraganglioma-Pheochromocytoma Syndromes; Hereditary paragangliomas and pheochromocytomas; Hereditary pheochromocytoma-paraganglioma. Identifiers: Orphanet 29072, MedGen C4274332, MONDO:0017366.
MAX-related disorder. Also called: MAX-related condition.

Allele frequency attached by ClinVar (database versions not stated): gnomAD 0.00001 and 0.00002; TOPMed 0.00002; ExAC 0.00003; gnomAD exomes 0.00003 and 0.00004; 1000 Genomes Project 30x 0.00016; 1000 Genomes Project 0.00020.
gnomAD v4.1: 44 of 1,614,030 alleles (0.0027%); highest among the groups gnomAD compares: East Asian, 0.0067%; no homozygotes.

Submissions (8):

Myriad Genetics, Inc.
Classification: Benign for Pheochromocytoma. Last evaluated: 2026-06-08. Review status: criteria provided, single submitter. Criteria: Myriad Autosomal Dominant, Autosomal Recessive and X-Linked Classification Criteria (2023). Collection method: clinical testing. Allele origin: unknown.
Comment: This variant is considered benign. This variant is a silent/synonymous amino acid change and it is not expected to impact splicing.

PreventionGenetics, part of Exact Sciences
Classification: Likely benign for MAX-related condition. Last evaluated: 2026-05-25. Review status: criteria provided, single submitter. Criteria: ACMG Guidelines, 2015. Collection method: clinical testing. Allele origin: germline.
Comment: This variant is classified as likely benign based on ACMG/AMP sequence variant interpretation guidelines (Richards et al. 2015 PMID: 25741868, with internal and published modifications).

Labcorp Genetics (formerly Invitae), Labcorp
Classification: Likely benign for Hereditary pheochromocytoma and paraganglioma. Last evaluated: 2025-12-08. Review status: criteria provided, single submitter. Criteria: Invitae Variant Classification Sherloc (09022015). Collection method: clinical testing. Allele origin: germline.

CeGaT Center for Human Genetics Tuebingen
Classification: Likely benign. Last evaluated: 2024-08-01. Review status: criteria provided, single submitter. Criteria: CeGaT Center For Human Genetics Tuebingen Variant Classification Criteria Version 2. Collection method: clinical testing. Allele origin: germline. Affected: yes. Observed: 2 variant alleles.
Comment: MAX: BP4, BP7

Quest Diagnostics Nichols Institute San Juan Capistrano
Classification: Likely benign. Last evaluated: 2023-07-10. Review status: criteria provided, single submitter. Criteria: Quest Diagnostics criteria. Collection method: clinical testing. Allele origin: unknown.

Sema4
Classification: Likely benign for Hereditary cancer-predisposing syndrome. Last evaluated: 2021-04-21. Review status: criteria provided, single submitter. Criteria: Sema4 Curation Guidelines. Collection method: curation. Allele origin: germline.

Blueprint Genetics
Classification: Likely benign. Last evaluated: 2019-11-08. Review status: criteria provided, single submitter. Criteria: ACMG Guidelines, 2015. Collection method: clinical testing. Allele origin: germline.

Ambry Genetics
Classification: Likely benign for Hereditary cancer-predisposing syndrome. Last evaluated: 2016-08-22. Review status: criteria provided, single submitter. Criteria: Ambry Variant Classification Scheme 2023. Collection method: clinical testing. Allele origin: germline.

Literature cited by the submitters: PubMed 22452945 (cited by Quest Diagnostics Nichols Institute San Juan Capistrano); PubMed 33606809 (cited by Quest Diagnostics Nichols Institute San Juan Capistrano).

NM_002382.5(MAX):c.414G>A (p.Ser138=)

Gene: MAX (MYC associated transcriptional regulator X; minus strand). Cytogenetic location: 14q23.3.
Variant type: single nucleotide variant.
Coding change: c.414G>A on transcript NM_002382.5 (MANE Select); coding-DNA position 414, G replaced by A.
Protein change: p.Ser138=; no amino-acid change (serine 138 retained).
Molecular consequence: synonymous variant. On other transcripts: 3 prime UTR variant (12), non-coding transcript variant (7), intron variant (2).
Genome position (GRCh38, 1-based): chr14:65,076,545, C>T on the plus strand (G>A on the coding strand, the complement: MAX is on the minus strand). VCF-style: chr14-65076545-C-T. GRCh37 (hg19) VCF-style: chr14-65543263-C-T.
Other names: c.225G>A, p.Ser75= (NM_001320415.2, NM_001407105.1, NM_001407106.1 and 1 more transcripts); c.414G>A, p.Ser138= (NM_001407094.1); c.387G>A, p.Ser129= (NM_001407095.1, NM_145112.3); c.*187G>A (NM_001407096.1, NM_001407099.1, NM_001407102.1 and 2 more transcripts); c.*203G>A (NM_001407097.1, NM_001407100.1, NM_001407101.1 and 4 more transcripts); c.306G>A, p.Ser102= (NM_001407098.1); c.213G>A, p.Ser71= (NM_001407111.1, NM_001407112.1); c.144+17163G>A (NM_001271069.2); and 1 more.
Identifiers: ClinVar variation 404111 (VCV000404111.42), dbSNP rs559090673, ClinGen allele CA7232792.